The following is an entry in ClinVar:

ClinVar aggregate classification (germline): Uncertain significance (1 of 4 stars; one submission).

Conditions:
Spastic paraplegia. Identifiers: MedGen C0037772, HP:0001258.

Allele frequency attached by ClinVar (database versions not stated): TOPMed 0.00001; gnomAD exomes 0.00001; ExAC 0.00001; gnomAD 0.00001; 1000 Genomes Project 30x 0.00016; 1000 Genomes Project 0.00020.

Submission:

Labcorp Genetics (formerly Invitae), Labcorp
Classification: Uncertain significance for Spastic paraplegia. Last evaluated: 2022-10-05. Review status: criteria provided, single submitter. Criteria: Invitae Variant Classification Sherloc (09022015). Collection method: clinical testing. Allele origin: germline.
Comment: This sequence change replaces glutamic acid, which is acidic and polar, with aspartic acid, which is acidic and polar, at codon 592 of the ZFYVE26 protein (p.Glu592Asp). This variant is not present in population databases (gnomAD no frequency). This variant has not been reported in the literature in individuals affected with ZFYVE26-related conditions. ClinVar contains an entry for this variant (Variation ID: 1520948). Algorithms developed to predict the effect of missense changes on protein structure and function output the following: SIFT: "Tolerated"; PolyPhen-2: "Benign"; Align-GVGD: "Class C0". The aspartic acid amino acid residue is found in multiple mammalian species, which suggests that this missense change does not adversely affect protein function. In summary, the available evidence is currently insufficient to determine the role of this variant in disease. Therefore, it has been classified as a Variant of Uncertain Significance.

NM_015346.4(ZFYVE26):c.1776G>T (p.Glu592Asp)

Gene: ZFYVE26 (zinc finger FYVE-type containing 26; minus strand). Cytogenetic location: 14q24.1.
Variant type: single nucleotide variant.
Coding change: c.1776G>T on transcript NM_015346.4 (MANE Select); coding-DNA position 1776, G replaced by T.
Protein change: p.Glu592Asp; replaces glutamic acid 592 with aspartic acid.
Molecular consequence: missense variant.
Genome position (GRCh38, 1-based): chr14:67,798,486, C>A on the plus strand (G>T on the coding strand, the complement: ZFYVE26 is on the minus strand). VCF-style: chr14-67798486-C-A. GRCh37 (hg19) VCF-style: chr14-68265203-C-A.
Other names: short protein forms E592D.
Identifiers: ClinVar variation 1520948 (VCV001520948.3), dbSNP rs558430297, ClinGen allele CA7240449.